The following is an entry in ClinVar:

NM_152594.3(SPRED1):c.970A>C (p.Lys324Gln)

Gene: SPRED1 (sprouty related EVH1 domain containing 1; plus strand). Cytogenetic location: 15q14.
Variant type: single nucleotide variant.
Coding change: c.970A>C on transcript NM_152594.3 (MANE Select); coding-DNA position 970, A replaced by C.
Protein change: p.Lys324Gln; replaces lysine 324 with glutamine.
Molecular consequence: missense variant.
Genome position (GRCh38, 1-based): chr15:38,351,299, A>C. VCF-style: chr15-38351299-A-C. GRCh37 (hg19) VCF-style: chr15-38643500-A-C.
Other names: short protein forms K324Q.
Identifiers: ClinVar variation 4174059 (VCV004174059.1).

ClinVar aggregate classification (germline): Uncertain significance (1 of 4 stars; one submission).

Conditions:
Cardiovascular phenotype. Identifiers: MedGen CN230736.

Submission:

Ambry Genetics
Classification: Uncertain significance for Cardiovascular phenotype. Last evaluated: 2025-08-28. Review status: criteria provided, single submitter. Criteria: Ambry Variant Classification Scheme 2023. Collection method: clinical testing. Allele origin: germline.
Comment: The p.K324Q variant (also known as c.970A>C), located in coding exon 7 of the SPRED1 gene, results from an A to C substitution at nucleotide position 970. The lysine at codon 324 is replaced by glutamine, an amino acid with similar properties. This amino acid position is conserved. In addition, the in silico prediction for this alteration is inconclusive. Based on the available evidence, the clinical significance of this variant remains unclear.